The following is an entry in ClinVar:

NM_002506.3(NGF):c.241C>T (p.Arg81Ter)

Genes: NGF (nerve growth factor; minus strand), NGF-AS1 (NGF antisense RNA 1; plus strand). Cytogenetic location: 1p13.2.
Variant type: single nucleotide variant.
Coding change: c.241C>T on transcript NM_002506.3 (MANE Select); coding-DNA position 241, C replaced by T.
Protein change: p.Arg81Ter; replaces arginine 81 with a stop codon.
Molecular consequence: nonsense.
Genome position (GRCh38, 1-based): chr1:115,286,555, G>A on the plus strand (C>T on the coding strand, the complement: NGF is on the minus strand). VCF-style: chr1-115286555-G-A. GRCh37 (hg19) VCF-style: chr1-115829176-G-A.
Other names: short protein forms R81*.
Identifiers: ClinVar variation 2181214 (VCV002181214.4), dbSNP rs753382007, ClinGen allele CA341836965.

ClinVar aggregate classification (germline): Pathogenic (1 of 4 stars; one submission).

Conditions:
Congenital sensory neuropathy with selective loss of small myelinated fibers (HSAN5). Also called: HSAN Type V. Identifiers: Orphanet 64752, MedGen C0020075, MONDO:0012092, OMIM 608654.

gnomAD v4.1: 3 of 1,614,178 alleles (0.00019%); highest among the groups gnomAD compares: South Asian, 0.0022%; no homozygotes.

Submission:

Labcorp Genetics (formerly Invitae), Labcorp
Classification: Pathogenic for Congenital sensory neuropathy with selective loss of small myelinated fibers. Last evaluated: 2022-04-10. Review status: criteria provided, single submitter. Criteria: Invitae Variant Classification Sherloc (09022015). Collection method: clinical testing. Allele origin: germline.
Comment: This sequence change creates a premature translational stop signal (p.Arg81*) in the NGF gene. While this is not anticipated to result in nonsense mediated decay, it is expected to disrupt the last 161 amino acid(s) of the NGF protein. This variant is not present in population databases (gnomAD no frequency). This variant has not been reported in the literature in individuals affected with NGF-related conditions. This variant disrupts a region of the NGF protein in which other variant(s) (p.Arg221Trp) have been determined to be pathogenic (PMID: 14976160, 19038341, 19945432, 20978020, 21387003, 32693191). This suggests that this is a clinically significant region of the protein, and that variants that disrupt it are likely to be disease-causing. For these reasons, this variant has been classified as Pathogenic.

Literature cited by the submitters: PubMed 14976160; PubMed 19038341; PubMed 19945432; PubMed 20978020; PubMed 21387003; PubMed 32693191.